The following is an entry in ClinVar:

ClinVar aggregate classification (germline): Uncertain significance (1 of 4 stars; one submission).

Conditions:
Arrhythmogenic right ventricular dysplasia 5. Also called: Arrhythmogenic Right Ventricular Dysplasia/Cardiomyopathy 5; ARRHYTHMOGENIC RIGHT VENTRICULAR DYSPLASIA, FAMILIAL, 5. Identifiers: MedGen C1858379, MONDO:0011459, OMIM 604400.

Submission:

Labcorp Genetics (formerly Invitae), Labcorp
Classification: Uncertain significance for Arrhythmogenic right ventricular dysplasia 5. Last evaluated: 2021-08-27. Review status: criteria provided, single submitter. Criteria: Invitae Variant Classification Sherloc (09022015). Collection method: clinical testing. Allele origin: germline.
Comment: This sequence change replaces alanine with glutamic acid at codon 293 of the TMEM43 protein (p.Ala293Glu). The alanine residue is moderately conserved and there is a moderate physicochemical difference between alanine and glutamic acid. This variant is not present in population databases (ExAC no frequency). This variant has not been reported in the literature in individuals affected with TMEM43-related conditions. Algorithms developed to predict the effect of missense changes on protein structure and function are either unavailable or do not agree on the potential impact of this missense change (SIFT: "Deleterious"; PolyPhen-2: "Possibly Damaging"; Align-GVGD: "Class C0"). In summary, the available evidence is currently insufficient to determine the role of this variant in disease. Therefore, it has been classified as a Variant of Uncertain Significance.

NM_024334.3(TMEM43):c.878C>A (p.Ala293Glu)

Gene: TMEM43 (transmembrane protein 43; plus strand). Cytogenetic location: 3p25.1.
Variant type: single nucleotide variant.
Coding change: c.878C>A on transcript NM_024334.3 (MANE Select); coding-DNA position 878, C replaced by A.
Protein change: p.Ala293Glu; replaces alanine 293 with glutamic acid.
Molecular consequence: missense variant.
Genome position (GRCh38, 1-based): chr3:14,135,904, C>A. VCF-style: chr3-14135904-C-A. GRCh37 (hg19) VCF-style: chr3-14177404-C-A.
Other names: short protein forms A293E.
Identifiers: ClinVar variation 1006248 (VCV001006248.6), dbSNP rs1695163617, ClinGen allele CA351536052.